The following is an entry in ClinVar:

ClinVar aggregate classification (germline): Uncertain significance. Review status: criteria provided, multiple submitters, no conflicts (2 of 4 stars). 8 submissions from 8 submitters: Uncertain significance (7). 1 of the submissions does not count toward it. Last evaluated 2026-02-25.

Conditions:
VRK1-related disorder. Also called: VRK1-related condition.
Inborn genetic diseases. Identifiers: MedGen C0950123, MeSH D030342.
Congenital pontocerebellar hypoplasia type 1. Also called: Pontocerebellar hypoplasia type 1. Identifiers: Orphanet 2254, MedGen C5442006, MONDO:0016396.
Pontocerebellar hypoplasia type 1A (PCH1A). Also called: PONTOCEREBELLAR HYPOPLASIA WITH ANTERIOR HORN CELL DISEASE; PONTOCEREBELLAR HYPOPLASIA WITH INFANTILE SPINAL MUSCULAR ATROPHY. Identifiers: Orphanet 2254, Orphanet 88616, MedGen C1843504, MONDO:0011866, OMIM 607596.

Allele frequency attached by ClinVar (database versions not stated): ExAC 0.00020; gnomAD exomes 0.00023 and 0.00030; gnomAD 0.00029 and 0.00031; ESP Exome Variant Server 0.00031; TOPMed 0.00040.
gnomAD v4.1: 490 of 1,612,586 alleles (0.03%); highest among the groups gnomAD compares: Admixed American, 0.06%; 2 homozygotes.

Submissions (8):

PreventionGenetics, part of Exact Sciences
Classification: Uncertain significance for VRK1-related condition. Last evaluated: 2026-02-25. Review status: criteria provided, single submitter. Criteria: ACMG Guidelines, 2015. Collection method: clinical testing. Allele origin: germline.
Comment: The VRK1 c.901A>G variant is predicted to result in the amino acid substitution p.Lys301Glu. To our knowledge, this variant has not been reported in the literature. This variant is reported in 0.034% of alleles in individuals of Latino descent in gnomAD. Although we suspect that this variant may be benign, at this time, the clinical significance of this variant is uncertain due to the absence of conclusive functional and genetic evidence.

GeneDx
Classification: Uncertain significance. Last evaluated: 2025-04-16. Review status: criteria provided, single submitter. Criteria: GeneDx Variant Classification Process June 2021. Collection method: clinical testing. Allele origin: germline. Affected: yes.
Comment: Missense variants in this gene are a common cause of disease and they are underrepresented in the general population; In silico analysis indicates that this missense variant does not alter protein structure/function; Has not been previously published as pathogenic or benign to our knowledge

Labcorp Genetics (formerly Invitae), Labcorp
Classification: Uncertain significance for Pontocerebellar hypoplasia type 1A. Last evaluated: 2025-01-26. Review status: criteria provided, single submitter. Criteria: Invitae Variant Classification Sherloc (09022015). Collection method: clinical testing. Allele origin: germline.
Comment: This sequence change replaces lysine, which is basic and polar, with glutamic acid, which is acidic and polar, at codon 301 of the VRK1 protein (p.Lys301Glu). This variant is present in population databases (rs149661915, gnomAD 0.04%). This variant has not been reported in the literature in individuals affected with VRK1-related conditions. ClinVar contains an entry for this variant (Variation ID: 315123). An algorithm developed to predict the effect of missense changes on protein structure and function (PolyPhen-2) suggests that this variant¬†is likely to be tolerated. In summary, the available evidence is currently insufficient to determine the role of this variant in disease. Therefore, it has been classified as a Variant of Uncertain Significance.

Ambry Genetics
Classification: Uncertain significance for Inborn genetic diseases. Last evaluated: 2024-07-27. Review status: criteria provided, single submitter. Criteria: Ambry Variant Classification Scheme 2023. Collection method: clinical testing. Allele origin: germline.

Mayo Clinic Laboratories, Mayo Clinic
Classification: Uncertain significance. Last evaluated: 2024-07-19. Review status: criteria provided, single submitter. Criteria: ACMG Guidelines, 2015. Collection method: clinical testing. Allele origin: germline. Observed: 2 variant alleles.
Comment: BP4, PM2

Fulgent Genetics
Classification: Uncertain significance for Pontocerebellar hypoplasia type 1A. Last evaluated: 2018-10-31. Review status: criteria provided, single submitter. Criteria: ACMG Guidelines, 2015. Collection method: clinical testing. Allele origin: unknown.

Illumina Laboratory Services, Illumina
Classification: Uncertain significance for Pontocerebellar hypoplasia type 1A. Last evaluated: 2018-01-13. Review status: criteria provided, single submitter. Criteria: ICSL Variant Classification Criteria 13 December 2019. Collection method: clinical testing. Allele origin: germline.

Natera, Inc.
Classification: Uncertain significance for Pontocerebellar hypoplasia type 1. Last evaluated: 2020-04-18. Review status: no assertion criteria provided. Collection method: clinical testing. Allele origin: germline. Not counted in ClinVar's aggregate classification.

NM_003384.3(VRK1):c.901A>G (p.Lys301Glu)

Gene: VRK1 (VRK serine/threonine kinase 1; plus strand). Cytogenetic location: 14q32.2.
Variant type: single nucleotide variant.
Coding change: c.901A>G on transcript NM_003384.3 (MANE Select); coding-DNA position 901, A replaced by G.
Protein change: p.Lys301Glu; replaces lysine 301 with glutamic acid.
Molecular consequence: missense variant.
Genome position (GRCh38, 1-based): chr14:96,860,568, A>G. VCF-style: chr14-96860568-A-G. GRCh37 (hg19) VCF-style: chr14-97326905-A-G.
Other names: p.Lys301Glu; short protein forms K301E.
Identifiers: ClinVar variation 315123 (VCV000315123.26), dbSNP rs149661915, ClinGen allele CA7339127.